The following is an entry in ClinVar:

ClinVar aggregate classification (germline): Uncertain significance (1 of 4 stars; one submission).

Allele frequency attached by ClinVar (database versions not stated): ExAC 0.00001; gnomAD 0.00001; gnomAD exomes 0.00001; TOPMed 0.00001.
gnomAD v4.1: 2 of 1,613,738 alleles (0.00012%); highest among the groups gnomAD compares: African/African-American, 0.0027%; no homozygotes.

Submission:

Labcorp Genetics (formerly Invitae), Labcorp
Classification: Uncertain significance. Last evaluated: 2022-02-24. Review status: criteria provided, single submitter. Criteria: Invitae Variant Classification Sherloc (09022015). Collection method: clinical testing. Allele origin: germline.
Comment: In summary, the available evidence is currently insufficient to determine the role of this variant in disease. Therefore, it has been classified as a Variant of Uncertain Significance. Algorithms developed to predict the effect of missense changes on protein structure and function output the following: SIFT: "Tolerated"; PolyPhen-2: "Benign"; Align-GVGD: "Class C0". The aspartic acid amino acid residue is found in multiple mammalian species, which suggests that this missense change does not adversely affect protein function. This variant has not been reported in the literature in individuals affected with ACO2-related conditions. The frequency data for this variant in the population databases is considered unreliable, as metrics indicate poor data quality at this position in the gnomAD database. This sequence change replaces glutamic acid, which is acidic and polar, with aspartic acid, which is acidic and polar, at codon 536 of the ACO2 protein (p.Glu536Asp).

NM_001098.3(ACO2):c.1608G>T (p.Glu536Asp)

Genes: ACO2 (aconitase 2; plus strand), LOC130067544 (ATAC-STARR-seq lymphoblastoid active region 19118; plus strand). Cytogenetic location: 22q13.2.
Variant type: single nucleotide variant.
Coding change: c.1608G>T on transcript NM_001098.3 (MANE Select); coding-DNA position 1608, G replaced by T.
Protein change: p.Glu536Asp; replaces glutamic acid 536 with aspartic acid.
Molecular consequence: missense variant.
Genome position (GRCh38, 1-based): chr22:41,525,195, G>T. VCF-style: chr22-41525195-G-T. GRCh37 (hg19) VCF-style: chr22-41921199-G-T.
Other names: short protein forms E536D.
Identifiers: ClinVar variation 1506204 (VCV001506204.8), dbSNP rs773653287, ClinGen allele CA10257732.
Genomic context (GRCh38, chr22:41,525,195, plus strand): 5'-TCTGTCCTTGTGGGAACTGAGGACTCAGCACCCCACGCATCCCCATTCCCTGCTGCAGGA[G>T]TTTGACCCAGGGCAGGACACCTACCAGCACCCACCCAAGGACAGCAGCGGGCAGCATGTG-3'
Protein context (NP_001089.1, residues 526-546): APDADELPKG[Glu536Asp]FDPGQDTYQH